The following is an entry in ClinVar:

NM_001206927.2(DNAH8):c.2395G>A (p.Ala799Thr)

Gene: DNAH8 (dynein axonemal heavy chain 8; plus strand). Cytogenetic location: 6p21.2.
Variant type: single nucleotide variant.
Coding change: c.2395G>A on transcript NM_001206927.2 (MANE Select); coding-DNA position 2395, G replaced by A.
Protein change: p.Ala799Thr; replaces alanine 799 with threonine.
Molecular consequence: missense variant.
Genome position (GRCh38, 1-based): chr6:38,783,139, G>A. VCF-style: chr6-38783139-G-A. GRCh37 (hg19) VCF-style: chr6-38750915-G-A.
Other names: c.1744G>A, p.Ala582Thr (NM_001371.4); short protein forms A582T, A799T.
Identifiers: ClinVar variation 2071068 (VCV002071068.2), dbSNP rs767930161, ClinGen allele CA3788500.

ClinVar aggregate classification (germline): Uncertain significance (1 of 4 stars; one submission).

Conditions:
Primary ciliary dyskinesia. Also called: Ciliary dyskinesia. Identifiers: Orphanet 244, MedGen C0008780, MONDO:0016575, HP:0012265.

gnomAD v4.1: 77 of 1,613,618 alleles (0.0048%); highest among the groups gnomAD compares: Non-Finnish European, 0.0061%; 1 homozygote.

Submission:

Labcorp Genetics (formerly Invitae), Labcorp
Classification: Uncertain significance for Primary ciliary dyskinesia. Last evaluated: 2023-09-20. Review status: criteria provided, single submitter. Criteria: Invitae Variant Classification Sherloc (09022015). Collection method: clinical testing. Allele origin: germline.
Comment: In summary, the available evidence is currently insufficient to determine the role of this variant in disease. Therefore, it has been classified as a Variant of Uncertain Significance. Variants that disrupt the consensus splice site are a relatively common cause of aberrant splicing (PMID: 17576681, 9536098). Algorithms developed to predict the effect of sequence changes on RNA splicing suggest that this variant may disrupt the consensus splice site. Experimental studies and prediction algorithms are not available or were not evaluated, and the functional significance of this variant is currently unknown. ClinVar contains an entry for this variant (Variation ID: 2071068). This variant has not been reported in the literature in individuals affected with DNAH8-related conditions. This variant is present in population databases (rs767930161, gnomAD 0.003%). This sequence change affects codon 799 of the DNAH8 mRNA. It is a 'silent' change, meaning that it does not change the encoded amino acid sequence of the DNAH8 protein. This variant also falls at the last nucleotide of exon 17, which is part of the consensus splice site for this exon.

Literature cited by the submitters: PubMed 17576681; PubMed 9536098.